The following is an entry in ClinVar:

ClinVar aggregate classification (germline): Uncertain significance. Review status: criteria provided, multiple submitters, no conflicts (2 of 4 stars). 3 submissions from 3 submitters: Uncertain significance (2). 1 of the submissions does not count toward it. Last evaluated 2024-04-15.

Conditions:
Autosomal recessive nonsyndromic hearing loss 77. Identifiers: Orphanet 90636, MedGen C2746083, MONDO:0013119, OMIM 613079.
Inborn genetic diseases. Identifiers: MedGen C0950123, MeSH D030342.

Allele frequency attached by ClinVar (database versions not stated): ExAC below 0.00001; gnomAD 0.00001; TOPMed 0.00001; gnomAD exomes 0.00003.
gnomAD v4.1: 33 of 1,549,662 alleles (0.0021%); highest among the groups gnomAD compares: East Asian, 0.078%; no homozygotes.

Submissions (3):

Ambry Genetics
Classification: Uncertain significance for Inborn genetic diseases. Last evaluated: 2024-04-15. Review status: criteria provided, single submitter. Criteria: Ambry Variant Classification Scheme 2023. Collection method: clinical testing. Allele origin: germline.

Laboratory for Molecular Medicine, Mass General Brigham Personalized Medicine
Classification: Uncertain significance. Last evaluated: 2018-05-29. Review status: criteria provided, single submitter. Criteria: LMM Criteria. Collection method: clinical testing. Allele origin: germline. Observed: 1 variant allele.
Comment: The p.Glu1961Gly variant in LOXHD1 has not been previously reported in individua ls with hearing loss but has been identified in 5/10248 East Asian chromosomes b y the Genome Aggregation Database (gnomAD; dbS NP rs572863376). Although this variant has been seen in the general population, its frequency is not high enough to rule out a pathogenic role. Computational p rediction tools and conservation analysis suggest that the p.Glu1961Gly variant may not impact the protein, though this information is not predictive enough to rule out pathogenicity. In summary, the clinical significance of the p.Glu1961Gl y variant is uncertain. ACMG/AMP Criteria applied: PM2_Supporting, BP4.

Natera, Inc.
Classification: Uncertain significance for Autosomal recessive deafness type 77. Last evaluated: 2020-07-07. Review status: no assertion criteria provided. Collection method: clinical testing. Allele origin: germline. Not counted in ClinVar's aggregate classification.

NM_001384474.1(LOXHD1):c.6068A>G (p.Glu2023Gly)

Gene: LOXHD1 (lipoxygenase homology PLAT domains 1; minus strand). Cytogenetic location: 18q21.1.
Variant type: single nucleotide variant.
Coding change: c.6068A>G on transcript NM_001384474.1 (MANE Select); coding-DNA position 6068, A replaced by G.
Protein change: p.Glu2023Gly; replaces glutamic acid 2023 with glycine.
Molecular consequence: missense variant.
Genome position (GRCh38, 1-based): chr18:46,485,133, T>C on the plus strand (A>G on the coding strand, the complement: LOXHD1 is on the minus strand). VCF-style: chr18-46485133-T-C. GRCh37 (hg19) VCF-style: chr18-44065096-T-C.
Other names: c.2735A>G, p.Glu912Gly (NM_001145472.3); c.785A>G, p.Glu262Gly (NM_001145473.3, NM_001173129.2); c.2447A>G, p.Glu816Gly (NM_001308013.2); c.5882A>G, p.Glu1961Gly (NM_144612.7); short protein forms E262G, E816G, E912G, E1961G, E2023G.
Identifiers: ClinVar variation 666846 (VCV000666846.6), dbSNP rs572863376, ClinGen allele CA8952094.